The following is an entry in ClinVar:

ClinVar aggregate classification (germline): Uncertain significance. Review status: criteria provided, multiple submitters, no conflicts (2 of 4 stars). 2 submissions from 2 submitters: Uncertain significance (2). Last evaluated 2025-01-13.

Conditions:
Inborn genetic diseases. Identifiers: MedGen C0950123, MeSH D030342.

Allele frequency attached by ClinVar (database versions not stated): gnomAD 0.00001.
gnomAD v4.1: 1 of 1,613,876 alleles (0.000062%); highest among the groups gnomAD compares: African/African-American, 0.0013%; no homozygotes.

Submissions (2):

Ambry Genetics
Classification: Uncertain significance for Inborn genetic diseases. Last evaluated: 2025-01-13. Review status: criteria provided, single submitter. Criteria: Ambry Variant Classification Scheme 2023. Collection method: clinical testing. Allele origin: germline.
Comment: The p.G607D variant (also known as c.1820G>A), located in coding exon 13 of the ASXL1 gene, results from a G to A substitution at nucleotide position 1820. The glycine at codon 607 is replaced by aspartic acid, an amino acid with similar properties. This amino acid position is conserved. In addition, this alteration is predicted to be tolerated by in silico analysis. Based on the available evidence, the clinical significance of this variant remains unclear.

Laboratorio de Genetica e Diagnostico Molecular, Hospital Israelita Albert Einstein
Classification: Uncertain significance. Last evaluated: 2022-03-16. Review status: criteria provided, single submitter. Criteria: ACMG Guidelines, 2015. Collection method: clinical testing. Allele origin: germline. Affected: yes.
Comment: ACMG classification criteria: PM2, BP4

NM_015338.6(ASXL1):c.1820G>A (p.Gly607Asp)

Gene: ASXL1 (ASXL transcriptional regulator 1; plus strand). Cytogenetic location: 20q11.21.
Variant type: single nucleotide variant.
Coding change: c.1820G>A on transcript NM_015338.6 (MANE Select); coding-DNA position 1820, G replaced by A.
Protein change: p.Gly607Asp; replaces glycine 607 with aspartic acid.
Molecular consequence: missense variant.
Genome position (GRCh38, 1-based): chr20:32,434,532, G>A. VCF-style: chr20-32434532-G-A. GRCh37 (hg19) VCF-style: chr20-31022335-G-A.
Other names: c.1637G>A, p.Gly546Asp (NM_001363734.1); c.1820G>A (NM_015338.5); short protein forms G546D, G607D.
Identifiers: ClinVar variation 1691060 (VCV001691060.3), dbSNP rs1479104382, ClinGen allele CA408557988.
Genomic context (GRCh38, chr20:32,434,532, plus strand): 5'-GTCAGCCCACTTACCAGATATGCCCCCGGATCATCCCCACCACGGAGTCCTCCTGCCGGG[G>A]TTGGACTGGCGCCAGGACCCTCGCAGACATTAAAGCCCGTGCTCTGCAGGTCCGAGGGGC-3'
Protein context (NP_056153.2, residues 597-617): IIPTTESSCR[Gly607Asp]WTGARTLADI